The following is an entry in ClinVar:

NM_152383.5(DIS3L2):c.1814C>T (p.Ala605Val)

Gene: DIS3L2 (DIS3 like 3'-5' exoribonuclease 2; plus strand). Cytogenetic location: 2q37.1.
Variant type: single nucleotide variant.
Coding change: c.1814C>T on transcript NM_152383.5 (MANE Select); coding-DNA position 1814, C replaced by T.
Protein change: p.Ala605Val; replaces alanine 605 with valine.
Molecular consequence: missense variant. On other transcripts: non-coding transcript variant (2), intron variant (1).
Genome position (GRCh38, 1-based): chr2:232,329,887, C>T. VCF-style: chr2-232329887-C-T. GRCh37 (hg19) VCF-style: chr2-233194597-C-T.
Other names: c.1582-13458C>T (NM_001257281.2); short protein forms A605V.
Identifiers: ClinVar variation 1714498 (VCV001714498.5), dbSNP rs1303809854, ClinGen allele CA350976079.

ClinVar aggregate classification (germline): Uncertain significance (1 of 4 stars; one submission).

Conditions:
Perlman syndrome (PRLMNS). Identifiers: Orphanet 2849, MedGen C0796113, MONDO:0009965, OMIM 267000.

Submission:

Labcorp Genetics (formerly Invitae), Labcorp
Classification: Uncertain significance for Perlman syndrome. Last evaluated: 2022-07-30. Review status: criteria provided, single submitter. Criteria: Invitae Variant Classification Sherloc (09022015). Collection method: clinical testing. Allele origin: germline.
Comment: In summary, the available evidence is currently insufficient to determine the role of this variant in disease. Therefore, it has been classified as a Variant of Uncertain Significance. Algorithms developed to predict the effect of sequence changes on RNA splicing suggest that this variant may create or strengthen a splice site. Algorithms developed to predict the effect of missense changes on protein structure and function (SIFT, PolyPhen-2, Align-GVGD) all suggest that this variant is likely to be disruptive. This variant has not been reported in the literature in individuals affected with DIS3L2-related conditions. This variant is not present in population databases (gnomAD no frequency). This sequence change replaces alanine, which is neutral and non-polar, with valine, which is neutral and non-polar, at codon 605 of the DIS3L2 protein (p.Ala605Val).